The following is an entry in ClinVar:

NM_006204.4(PDE6C):c.733T>G (p.Trp245Gly)

Gene: PDE6C (phosphodiesterase 6C; plus strand). Cytogenetic location: 10q23.33.
Variant type: single nucleotide variant.
Coding change: c.733T>G on transcript NM_006204.4 (MANE Select); coding-DNA position 733, T replaced by G.
Protein change: p.Trp245Gly; replaces tryptophan 245 with glycine.
Molecular consequence: missense variant.
Genome position (GRCh38, 1-based): chr10:93,621,941, T>G. VCF-style: chr10-93621941-T-G. GRCh37 (hg19) VCF-style: chr10-95381698-T-G.
Other names: short protein forms W245G.
Identifiers: ClinVar variation 841918 (VCV000841918.8), dbSNP rs1198848724, ClinGen allele CA377628078.
Genomic context (GRCh38, chr10:93,621,941, plus strand): 5'-CTCCATAGCATACTTTATTCTAACTGTTTTCTTTTTGATACCTACTTTCAGATCCTTATG[T>G]GGTCAGCCAATAAAGTATTTGAAGAACTCACAGATGTTGAGCGACAGTTTCACAAAGCGC-3'
Protein context (NP_006195.3, residues 235-255): IESRRSQILM[Trp245Gly]SANKVFEELT

ClinVar aggregate classification (germline): Uncertain significance. Review status: criteria provided, multiple submitters, no conflicts (2 of 4 stars). 2 submissions from 2 submitters: Uncertain significance (2). Last evaluated 2024-12-28.

Conditions:
Inborn genetic diseases. Identifiers: MedGen C0950123, MeSH D030342.

Allele frequency attached by ClinVar (database versions not stated): gnomAD exomes below 0.00001; gnomAD 0.00003 and 0.00004; TOPMed 0.00005.
gnomAD v4.1: 6 of 1,613,748 alleles (0.00037%); highest among the groups gnomAD compares: Admixed American, 0.0067%; no homozygotes.

Submissions (2):

Ambry Genetics
Classification: Uncertain significance for Inborn genetic diseases. Last evaluated: 2024-12-28. Review status: criteria provided, single submitter. Criteria: Ambry Variant Classification Scheme 2023. Collection method: clinical testing. Allele origin: germline.

Labcorp Genetics (formerly Invitae), Labcorp
Classification: Uncertain significance. Last evaluated: 2022-10-13. Review status: criteria provided, single submitter. Criteria: Invitae Variant Classification Sherloc (09022015). Collection method: clinical testing. Allele origin: germline.
Comment: This variant has not been reported in the literature in individuals affected with PDE6C-related conditions. ClinVar contains an entry for this variant (Variation ID: 841918). Advanced modeling of protein sequence and biophysical properties (such as structural, functional, and spatial information, amino acid conservation, physicochemical variation, residue mobility, and thermodynamic stability) performed at Invitae indicates that this missense variant is not expected to disrupt PDE6C protein function. In summary, the available evidence is currently insufficient to determine the role of this variant in disease. Therefore, it has been classified as a Variant of Uncertain Significance. This variant is present in population databases (no rsID available, gnomAD 0.003%). This sequence change replaces tryptophan, which is neutral and slightly polar, with glycine, which is neutral and non-polar, at codon 245 of the PDE6C protein (p.Trp245Gly).